The following is an entry in ClinVar:

ClinVar aggregate classification (germline): Uncertain significance. Review status: criteria provided, multiple submitters, no conflicts (2 of 4 stars). 2 submissions from 2 submitters: Uncertain significance (2). Last evaluated 2025-01-02.

Conditions:
Inborn genetic diseases. Identifiers: MedGen C0950123, MeSH D030342.

Allele frequency attached by ClinVar (database versions not stated): gnomAD 0.00001; gnomAD exomes 0.00001; ExAC 0.00002; TOPMed 0.00002.
gnomAD v4.1: 17 of 1,614,054 alleles (0.0011%); highest among the groups gnomAD compares: Non-Finnish European, 0.0013%; no homozygotes.

Submissions (2):

Ambry Genetics
Classification: Uncertain significance for Inborn genetic diseases. Last evaluated: 2025-01-02. Review status: criteria provided, single submitter. Criteria: Ambry Variant Classification Scheme 2023. Collection method: clinical testing. Allele origin: germline.

Labcorp Genetics (formerly Invitae), Labcorp
Classification: Uncertain significance. Last evaluated: 2022-08-19. Review status: criteria provided, single submitter. Criteria: Invitae Variant Classification Sherloc (09022015). Collection method: clinical testing. Allele origin: germline.
Comment: This sequence change replaces glutamic acid, which is acidic and polar, with lysine, which is basic and polar, at codon 1383 of the LTBP2 protein (p.Glu1383Lys). This variant is present in population databases (rs771431992, gnomAD 0.004%). This variant has not been reported in the literature in individuals affected with LTBP2-related conditions. Algorithms developed to predict the effect of missense changes on protein structure and function (SIFT, PolyPhen-2, Align-GVGD) all suggest that this variant is likely to be tolerated. In summary, the available evidence is currently insufficient to determine the role of this variant in disease. Therefore, it has been classified as a Variant of Uncertain Significance.

NM_000428.3(LTBP2):c.4147G>A (p.Glu1383Lys)

Gene: LTBP2 (latent transforming growth factor beta binding protein 2; minus strand). Cytogenetic location: 14q24.3.
Variant type: single nucleotide variant.
Coding change: c.4147G>A on transcript NM_000428.3 (MANE Select); coding-DNA position 4147, G replaced by A.
Protein change: p.Glu1383Lys; replaces glutamic acid 1383 with lysine.
Molecular consequence: missense variant.
Genome position (GRCh38, 1-based): chr14:74,506,078, C>T on the plus strand (G>A on the coding strand, the complement: LTBP2 is on the minus strand). VCF-style: chr14-74506078-C-T. GRCh37 (hg19) VCF-style: chr14-74972781-C-T.
Other names: short protein forms E1383K.
Identifiers: ClinVar variation 2073349 (VCV002073349.3), dbSNP rs771431992, ClinGen allele CA7268864.